The following is an entry in ClinVar:

ClinVar aggregate classification (germline): Uncertain significance. Review status: criteria provided, multiple submitters, no conflicts (2 of 4 stars). 2 submissions from 2 submitters: Uncertain significance (2). Last evaluated 2026-03-23.

Conditions:
Noonan syndrome 4 (NS4). Also called: SOS1-Related Noonan Syndrome; NOONAN SYNDROME WITH PIGMENTED VILLONODULAR SYNOVITIS. Identifiers: Orphanet 648, MedGen C1853120, MONDO:0012547, OMIM 610733.
Cardiovascular phenotype. Identifiers: MedGen CN230736.

gnomAD v4.1: 1 of 1,612,866 alleles (0.000062%); highest among the groups gnomAD compares: South Asian, 0.0011%; no homozygotes.

Submissions (2):

Ambry Genetics
Classification: Uncertain significance for Cardiovascular phenotype. Last evaluated: 2026-03-23. Review status: criteria provided, single submitter. Criteria: Ambry Variant Classification Scheme 2023. Collection method: clinical testing. Allele origin: germline.
Comment: The c.311C>G (p.S104C) alteration is located in exon 3 (coding exon 3) of the SOS1 gene. This alteration results from a C to G substitution at nucleotide position 311, causing the serine (S) at amino acid position 104 to be replaced by a cysteine (C). Based on data from gnomAD, the G allele has an overall frequency of <0.001% (1/251168) total alleles studied. The highest observed frequency was 0.003% (1/30580) of South Asian alleles. Based on insufficient or conflicting evidence, the clinical significance of this alteration remains unclear.

St. Jude Molecular Pathology, St. Jude Children's Research Hospital
Classification: Uncertain significance for Noonan syndrome 4. Last evaluated: 2025-06-17. Review status: criteria provided, single submitter. Criteria: St. Jude Assertion Criteria 2020. Collection method: clinical testing. Allele origin: germline.
Comment: The SOS1 c.311C>G p.(Ser104Cys) missense change has a maximum subpopulation frequency of 0.003% in gnomAD v2.1.1. The in silico tool REVEL predicts a benign effect on protein function, but to our knowledge this prediction has not been confirmed by functional studies. To our knowledge, this variant has not been reported in individuals with Noonan syndrome. In summary, the evidence currently available is insufficient to determine the clinical significance of this variant. It has therefore been classified as of uncertain significance.

NM_005633.4(SOS1):c.311C>G (p.Ser104Cys)

Gene: SOS1 (SOS Ras/Rac guanine nucleotide exchange factor 1; minus strand). Cytogenetic location: 2p22.1.
Variant type: single nucleotide variant.
Coding change: c.311C>G on transcript NM_005633.4 (MANE Select); coding-DNA position 311, C replaced by G.
Protein change: p.Ser104Cys; replaces serine 104 with cysteine.
Molecular consequence: missense variant.
Genome position (GRCh38, 1-based): chr2:39,058,707, G>C on the plus strand (C>G on the coding strand, the complement: SOS1 is on the minus strand). VCF-style: chr2-39058707-G-C. GRCh37 (hg19) VCF-style: chr2-39285848-G-C.
Other names: c.290C>G, p.Ser97Cys (NM_001382394.1); c.311C>G, p.Ser104Cys (NM_001382395.1); short protein forms S97C, S104C.
Identifiers: ClinVar variation 4056099 (VCV004056099.3).
Genomic context (GRCh38, chr2:39,058,707, plus strand): 5'-GCAAGAAGGCAGTAGTTCAGCATTACCTTTAATAAAGGATGAATTTTTTCTACTGGGAGA[G>C]ATAAAGGGTTTCTTCGCTTCCTCTTTTCAATAGCTGATTGGGCATCAGCTATTGCCCATT-3'
Protein context (NP_005624.2, residues 94-114): IEKRKRRNPL[Ser104Cys]LPVEKIHPLL